The following is an entry in ClinVar:

NM_000038.6(APC):c.5117C>T (p.Ser1706Leu)

Gene: APC (APC regulator of Wnt signaling pathway; plus strand). Cytogenetic location: 5q22.2.
Variant type: single nucleotide variant.
Coding change: c.5117C>T on transcript NM_000038.6 (MANE Select); coding-DNA position 5117, C replaced by T.
Protein change: p.Ser1706Leu; replaces serine 1706 with leucine.
Molecular consequence: missense variant.
Genome position (GRCh38, 1-based): chr5:112,840,711, C>T. VCF-style: chr5-112840711-C-T. GRCh37 (hg19) VCF-style: chr5-112176408-C-T.
Other names: c.5117C>T, p.Ser1706Leu (NM_001127510.3, NM_001354895.2); c.5063C>T, p.Ser1688Leu (NM_001127511.3); c.5171C>T, p.Ser1724Leu (NM_001354896.2); c.5147C>T, p.Ser1716Leu (NM_001354897.2); c.5042C>T, p.Ser1681Leu (NM_001354898.2); c.5033C>T, p.Ser1678Leu (NM_001354899.2); c.4994C>T, p.Ser1665Leu (NM_001354900.2); c.4940C>T, p.Ser1647Leu (NM_001354901.2); and 5 more; short protein forms S1647L, S1681L, S1688L, S1580L, S1706L, S1716L, S1724L, S1423L.
Identifiers: ClinVar variation 1474360 (VCV001474360.8), dbSNP rs2149932434, ClinGen allele CA16032517.

ClinVar aggregate classification (germline): Uncertain significance (1 of 4 stars; one submission).

Conditions:
Familial adenomatous polyposis 1 (FAP1). Also called: FAMILIAL ADENOMATOUS POLYPOSIS 1, ATTENUATED; POLYPOSIS, ADENOMATOUS INTESTINAL. Identifiers: MedGen C2713442, MONDO:0021056, OMIM 175100. Disease mechanism: loss of function.

Submission:

Labcorp Genetics (formerly Invitae), Labcorp
Classification: Uncertain significance for Familial adenomatous polyposis 1. Last evaluated: 2024-12-18. Review status: criteria provided, single submitter. Criteria: Invitae Variant Classification Sherloc (09022015). Collection method: clinical testing. Allele origin: germline.
Comment: This sequence change replaces serine, which is neutral and polar, with leucine, which is neutral and non-polar, at codon 1706 of the APC protein (p.Ser1706Leu). This variant is not present in population databases (gnomAD no frequency). This variant has not been reported in the literature in individuals affected with APC-related conditions. ClinVar contains an entry for this variant (Variation ID: 1474360). Invitae Evidence Modeling of protein sequence and biophysical properties (such as structural, functional, and spatial information, amino acid conservation, physicochemical variation, residue mobility, and thermodynamic stability) indicates that this missense variant is not expected to disrupt APC protein function with a negative predictive value of 95%. In summary, the available evidence is currently insufficient to determine the role of this variant in disease. Therefore, it has been classified as a Variant of Uncertain Significance.